The following is an entry in ClinVar:

NM_001355436.2(SPTB):c.876G>A (p.Lys292=)

Gene: SPTB (spectrin beta, erythrocytic; minus strand). Cytogenetic location: 14q23.3.
Variant type: single nucleotide variant.
Coding change: c.876G>A on transcript NM_001355436.2 (MANE Select); coding-DNA position 876, G replaced by A.
Protein change: p.Lys292=; no amino-acid change (lysine 292 retained).
Molecular consequence: synonymous variant.
Genome position (GRCh38, 1-based): chr14:64,800,756, C>T on the plus strand (G>A on the coding strand, the complement: SPTB is on the minus strand). VCF-style: chr14-64800756-C-T. GRCh37 (hg19) VCF-style: chr14-65267474-C-T.
Other names: p.Lys292=; c.876G>A, p.Lys292= (NM_001024858.4, NM_001355437.2).
Identifiers: ClinVar variation 4541866 (VCV004541866.1).

ClinVar aggregate classification (germline): Uncertain significance (1 of 4 stars; one submission).

Submission:

Mayo Clinic Laboratories, Mayo Clinic
Classification: Uncertain significance. Last evaluated: 2025-11-06. Review status: criteria provided, single submitter. Criteria: ACMG Guidelines, 2015. Collection method: clinical testing. Allele origin: germline. Observed: 1 variant allele.
Comment: PP3, PM2_supporting